The following is an entry in ClinVar:

NM_001372066.1(TFAP2A):c.428G>A (p.Ser143Asn)

Gene: TFAP2A (transcription factor AP-2 alpha; minus strand). Cytogenetic location: 6p24.3.
Variant type: single nucleotide variant.
Coding change: c.428G>A on transcript NM_001372066.1 (MANE Select); coding-DNA position 428, G replaced by A.
Protein change: p.Ser143Asn; replaces serine 143 with asparagine.
Molecular consequence: missense variant.
Genome position (GRCh38, 1-based): chr6:10,409,959, C>T on the plus strand (G>A on the coding strand, the complement: TFAP2A is on the minus strand). VCF-style: chr6-10409959-C-T. GRCh37 (hg19) VCF-style: chr6-10410192-C-T.
Other names: c.404G>A, p.Ser135Asn (NM_001032280.3); c.410G>A, p.Ser137Asn (NM_001042425.3); short protein forms S135N, S143N, S137N.
Identifiers: ClinVar variation 1350302 (VCV001350302.6), dbSNP rs2113203119, ClinGen allele CA362703902.

ClinVar aggregate classification (germline): Uncertain significance (1 of 4 stars; one submission).

Submission:

Labcorp Genetics (formerly Invitae), Labcorp
Classification: Uncertain significance. Last evaluated: 2021-11-08. Review status: criteria provided, single submitter. Criteria: Invitae Variant Classification Sherloc (09022015). Collection method: clinical testing. Allele origin: germline.
Comment: This variant has not been reported in the literature in individuals affected with TFAP2A-related conditions. In summary, the available evidence is currently insufficient to determine the role of this variant in disease. Therefore, it has been classified as a Variant of Uncertain Significance. Algorithms developed to predict the effect of missense changes on protein structure and function (SIFT, PolyPhen-2, Align-GVGD) all suggest that this variant is likely to be tolerated. This variant is not present in population databases (gnomAD no frequency). This sequence change replaces serine, which is neutral and polar, with asparagine, which is neutral and polar, at codon 141 of the TFAP2A protein (p.Ser141Asn).